The following is an entry in ClinVar:

NM_001318852.2(MAPK8IP3):c.2115C>T (p.Thr705=)

Gene: MAPK8IP3 (mitogen-activated protein kinase 8 interacting protein 3; plus strand). Cytogenetic location: 16p13.3.
Variant type: single nucleotide variant.
Coding change: c.2115C>T on transcript NM_001318852.2 (MANE Select); coding-DNA position 2115, C replaced by T.
Protein change: p.Thr705=; no amino-acid change (threonine 705 retained).
Molecular consequence: synonymous variant.
Genome position (GRCh38, 1-based): chr16:1,764,204, C>T. VCF-style: chr16-1764204-C-T. GRCh37 (hg19) VCF-style: chr16-1814205-C-T.
Other names: c.2094C>T, p.Thr698= (NM_001040439.2); c.2112C>T, p.Thr704= (NM_015133.5, NM_033392.3).
Identifiers: ClinVar variation 2645924 (VCV002645924.24), dbSNP rs372631645, ClinGen allele CA7817133.
Genomic context (GRCh38, chr16:1,764,204, plus strand): 5'-GCGGATGAAGAACGTGCCGGTGCCGGTGTACTGCCGCCCTCTGGTGGAGAAGGACCCCAC[C>T]ATGAAGGTGAGCCCGCGAGGACCCCGCTCAGGCTGGCTGGGCGAGCGGGAGGCTGGGGAG-3'
Protein context (NP_001305781.1, residues 695-715): YCRPLVEKDP[Thr705=]MKLWCAAGVN

ClinVar aggregate classification (germline): Likely benign (1 of 4 stars; one submission).

Allele frequency attached by ClinVar (database versions not stated): gnomAD 0.00001; gnomAD exomes 0.00001; ExAC 0.00002; TOPMed 0.00002; ESP Exome Variant Server 0.00008.
gnomAD v4.1: 21 of 1,610,740 alleles (0.0013%); highest among the groups gnomAD compares: Non-Finnish European, 0.0015%; no homozygotes.

Submission:

CeGaT Center for Human Genetics Tuebingen
Classification: Likely benign. Last evaluated: 2022-04-01. Review status: criteria provided, single submitter. Criteria: CeGaT Center For Human Genetics Tuebingen Variant Classification Criteria Version 2. Collection method: clinical testing. Allele origin: germline. Affected: yes. Observed: 1 variant allele.
Comment: MAPK8IP3: BP4, BP7